The following is an entry in ClinVar:

NM_021942.6(TRAPPC11):c.832-16A>G

Gene: TRAPPC11 (trafficking protein particle complex subunit 11; plus strand). Cytogenetic location: 4q35.1.
Variant type: single nucleotide variant.
Coding change: c.832-16A>G on transcript NM_021942.6 (MANE Select); 16 bases into the intron before coding-DNA position 832, A replaced by G.
Molecular consequence: intron variant.
Genome position (GRCh38, 1-based): chr4:183,679,337, A>G. VCF-style: chr4-183679337-A-G. GRCh37 (hg19) VCF-style: chr4-184600490-A-G.
Other names: c.832-16A>G (NM_199053.3).
Identifiers: ClinVar variation 1418879 (VCV001418879.8), dbSNP rs1194645106, ClinGen allele CA556988732.
Genomic context (GRCh38, chr4:183,679,337, plus strand): 5'-AAAATAGTTTTTAAATGAATATGTCTTTTGACTTTCTTTTTTTCCTTTATTTTGGGATCA[A>G]TTTTACATTTTGCAGATCTGTAGGCTGTGTTTTCAACACAACACCCCATTGGATGCAATT-3'

ClinVar aggregate classification (germline): Uncertain significance. Review status: criteria provided, multiple submitters, no conflicts (2 of 4 stars). 2 submissions from 2 submitters: Uncertain significance (2). Last evaluated 2025-06-17.

Conditions:
Autosomal recessive limb-girdle muscular dystrophy type R18 (LGMDR18). Also called: Limb-girdle muscular dystrophy, type 2S; MUSCULAR DYSTROPHY, LIMB-GIRDLE, AUTOSOMAL RECESSIVE 18; Autosomal recessive limb-girdle muscular dystrophy type 2S. Identifiers: Orphanet 369840, MedGen C4517996, MONDO:0014144, OMIM 615356.

Allele frequency attached by ClinVar (database versions not stated): gnomAD exomes 0.00001.
gnomAD v4.1: 18 of 1,554,344 alleles (0.0012%); highest among the groups gnomAD compares: East Asian, 0.0023%; no homozygotes.

Submissions (2):

Victorian Clinical Genetics Services, Murdoch Childrens Research Institute
Classification: Uncertain significance for Autosomal recessive limb-girdle muscular dystrophy type R18. Last evaluated: 2025-06-17. Review status: criteria provided, single submitter. Criteria: ACMG Guidelines, 2015. Collection method: clinical testing. Allele origin: germline. Affected: yes.
Comment: This variant is classified as VUS-3B. Evidence in support of pathogenic classification: Variant is present in gnomAD <0.01 for a recessive condition (v4: 18 heterozygote(s), 0 homozygote(s)). Additional information: Non-coding variant without known or predicted effect; This variant is heterozygous; This gene is associated with autosomal recessive disease; Alternative nucleotide change(s) at the same genomic position, are present in gnomAD (highest allele count: v4: 1 heterozygote(s), 0 homozygote(s)); Previous evidence of pathogenicity for this variant is inconclusive. This variant has been classified as a VUS by a clinical laboratory in ClinVar, identified in a heterozygous individual without a second TRAPPC11 variant (personal communication); No published segregation evidence has been identified for this variant; No published functional evidence has been identified for this variant; No comparable non-coding variants have previous evidence for pathogenicity; Loss of function is a known mechanism of disease in this gene and is associated with autosomal recessive limb-girdle muscular dystrophy 18 (MIM#615356).

Labcorp Genetics (formerly Invitae), Labcorp
Classification: Uncertain significance for Autosomal recessive limb-girdle muscular dystrophy type R18. Last evaluated: 2021-12-02. Review status: criteria provided, single submitter. Criteria: Invitae Variant Classification Sherloc (09022015). Collection method: clinical testing. Allele origin: germline.
Comment: This sequence change falls in intron 8 of the TRAPPC11 gene. It does not directly change the encoded amino acid sequence of the TRAPPC11 protein. This variant is present in population databases (no rsID available, gnomAD 0.004%). This variant has not been reported in the literature in individuals affected with TRAPPC11-related conditions. Algorithms developed to predict the effect of sequence changes on RNA splicing suggest that this variant may create or strengthen a splice site. In summary, the available evidence is currently insufficient to determine the role of this variant in disease. Therefore, it has been classified as a Variant of Uncertain Significance.